The following is an entry in ClinVar:

ClinVar aggregate classification (germline): Pathogenic. Review status: criteria provided, multiple submitters, no conflicts (2 of 4 stars). 12 submissions from 12 submitters: Pathogenic (11). 1 of the submissions does not count toward it. Last evaluated 2026-07-14.

Conditions:
Inherited breast cancer and ovarian cancer.
Breast-ovarian cancer, familial, susceptibility to, 5 (BROVCA5). Identifiers: MedGen C5830615, MONDO:0957530, OMIM 620442.
Hereditary cancer-predisposing syndrome. Also called: Hereditary neoplastic syndrome; Tumor predisposition; Neoplastic Syndromes, Hereditary; Hereditary Cancer Syndrome. Identifiers: Orphanet 140162, MedGen C0027672, MeSH D009386, MONDO:0015356.
Pancreatic cancer, susceptibility to, 3. Identifiers: Orphanet 1333, MedGen C3150547, MONDO:0013236, OMIM 613348.
Fanconi anemia complementation group N. Also called: PALB2-Related Fanconi Anemia. Identifiers: Orphanet 84, MedGen C1835817, MONDO:0012565, OMIM 610832. Disease mechanism: loss of function.
Familial cancer of breast. Also called: hereditary breast carcinoma; Hereditary breast cancer; BREAST CANCER, FAMILIAL. Identifiers: Orphanet 227535, MedGen C0346153, MONDO:0016419, OMIM 114480. Disease mechanism: loss of function.

Submissions (12):

Genetics Laboratory, Great Ormond Street Hospital NHS Foundation Trust, North Thames Genomic Laboratory Hub
Classification: Pathogenic for Inherited breast cancer and ovarian cancer. Last evaluated: 2026-07-14. Review status: criteria provided, single submitter. Criteria: CanVIG PALB2 Gene Specific V1.2. Collection method: clinical testing. Allele origin: germline. Affected: yes.
Comment: PM2_supporting, PVS1_very-strong, PM5_supporting

Labcorp Genetics (formerly Invitae), Labcorp
Classification: Pathogenic for Familial cancer of breast. Last evaluated: 2026-01-17. Review status: criteria provided, single submitter. Criteria: Invitae Variant Classification Sherloc (09022015). Collection method: clinical testing. Allele origin: germline.
Comment: This sequence change creates a premature translational stop signal (p.Lys353Asnfs*3) in the PALB2 gene. It is expected to result in an absent or disrupted protein product. Loss-of-function variants in PALB2 are known to be pathogenic (PMID: 17200668, 17200671, 17200672, 24136930, 25099575). This variant is not present in population databases (gnomAD no frequency). This premature translational stop signal has been observed in individual(s) with breast cancer (PMID: 26681312, 26757417). ClinVar contains an entry for this variant (Variation ID: 182745). For these reasons, this variant has been classified as Pathogenic.

Color Diagnostics, LLC DBA Color Health
Classification: Pathogenic for Hereditary cancer-predisposing syndrome. Last evaluated: 2025-05-05. Review status: criteria provided, single submitter. Criteria: ACMG Guidelines, 2015. Collection method: clinical testing. Allele origin: germline.
Comment: This variant deletes 1 nucleotide in exon 4 of the PALB2 gene, creating a frameshift and premature translation stop signal. This variant is expected to result in an absent or non-functional protein product. This variant has been reported in individuals affected with breast cancer (PMID: 26681312, 26757417, 28825143). This variant has not been identified in the general population by the Genome Aggregation Database (gnomAD). Loss of PALB2 function is a known mechanism of disease. Based on the available evidence, this variant is classified as Pathogenic.

Ambry Genetics
Classification: Pathogenic for Hereditary cancer-predisposing syndrome. Last evaluated: 2025-01-03. Review status: criteria provided, single submitter. Criteria: Ambry Variant Classification Scheme 2023. Collection method: clinical testing. Allele origin: germline.
Comment: The c.1059delA pathogenic mutation, located in coding exon 4 of the PALB2 gene, results from a deletion of one nucleotide at position 1059, causing a translational frameshift with a predicted alternate stop codon (p.K353Nfs*3). This mutation has been reported in numerous cohorts of breast cancer patients (Susswein LR et al. Genet. Med. 2016 Aug;18(8):823-32; Ng PS et al. Clin. Genet. 2016 Oct;90:315-23; Zhang K et al. Breast Cancer Res Treat. 2017 Dec;166:865-873; Wang YA et al. BMC Cancer. 2018 03;18:315; Deng M et al. Int J Cancer. 2019 09;145:1517-1528; Zhou J et al. Cancer. 2020 Jul;126:3202-3208; Hu ZY et al. Front Genet. 2020 Aug;11:829; Kwong A et al. J Mol Diagn. 2020 04;22:544-554). This variant is considered to be rare based on population cohorts in the Genome Aggregation Database (gnomAD). In addition to the clinical data presented in the literature, this alteration is expected to result in loss of function by premature protein truncation or nonsense-mediated mRNA decay. As such, this alteration is interpreted as a disease-causing mutation.

GeneDx
Classification: Pathogenic. Last evaluated: 2024-01-23. Review status: criteria provided, single submitter. Criteria: GeneDx Variant Classification Process June 2021. Collection method: clinical testing. Allele origin: germline. Affected: yes.
Comment: Frameshift variant predicted to result in protein truncation or nonsense mediated decay in a gene for which loss-of-function is a known mechanism of disease; Observed in individuals with PALB2-related cancers (PMID: 26757417, 28825143, 32068069, 32339256, 33193564); Not observed at a significant frequency in large population cohorts (gnomAD); Truncating variants in this gene are considered pathogenic by a well-established clinical consortium and/or database; This variant is associated with the following publications: (PMID: 26757417, 26681312, 28825143, 29566657, 30720863, 32068069, 32339256, 31360874, 33193564)

Baylor Genetics
Classification: Pathogenic for Familial cancer of breast. Last evaluated: 2023-12-01. Review status: criteria provided, single submitter. Criteria: ACMG Guidelines, 2015. Collection method: clinical testing. Allele origin: unknown.

Myriad Genetics, Inc.
Classification: Pathogenic for Familial cancer of breast. Last evaluated: 2023-03-30. Review status: criteria provided, single submitter. Criteria: Myriad Autosomal Dominant, Autosomal Recessive and X-Linked Classification Criteria (2023). Collection method: clinical testing. Allele origin: unknown.
Comment: This variant is considered pathogenic. This variant creates a frameshift predicted to result in premature protein truncation.

Quest Diagnostics Nichols Institute San Juan Capistrano
Classification: Pathogenic. Last evaluated: 2022-09-13. Review status: criteria provided, single submitter. Criteria: Quest Diagnostics criteria. Collection method: clinical testing. Allele origin: unknown.
Comment: This frameshift variant alters the translational reading frame of the PALB2 mRNA and causes the premature termination of PALB2 protein synthesis. It has not been reported in large, multi-ethnic general populations. In the published literature, the variant has been reported in individuals with breast cancer (PMID: 32339256 (2020), 32068069 (2020), 30720863 (2019), 29566657 (2018), 28825143 (2017), 26757417 (2016)) and colorectal cancer (PMID: 31360874 (2018)). Based on the available information, this variant is classified as pathogenic.

Fulgent Genetics
Classification: Pathogenic for Familial cancer of breast; Fanconi anemia complementation group N; Pancreatic cancer, susceptibility to, 3. Last evaluated: 2022-02-25. Review status: criteria provided, single submitter. Criteria: ACMG Guidelines, 2015. Collection method: clinical testing. Allele origin: unknown.

Department of Pathology and Laboratory Medicine, Sinai Health System
Classification: Pathogenic for Breast-ovarian cancer, familial, susceptibility to, 5. Last evaluated: 2020-02-25. Review status: criteria provided, single submitter. Criteria: ACMG Guidelines, 2015. Collection method: clinical testing. Allele origin: germline. Affected: yes.

Juno Genomics, Hangzhou Juno Genomics, Inc
Classification: Pathogenic for Breast-ovarian cancer, familial, susceptibility to, 5. Review status: criteria provided, single submitter. Criteria: ACMG Guidelines, 2015. Collection method: clinical testing. Allele origin: germline.
Comment: Absent from controls (or at extremely low frequency if recessive) in Genome Aggregation Database.;Null variant in a gene where loss of function (LOF) is a known mechanism of disease.;The prevalence of the variant in affected individuals is significantly increased compared to the prevalence in controls.

Counsyl
Classification: Pathogenic for Familial cancer of breast. Last evaluated: 2016-12-22. Review status: no assertion criteria provided. Collection method: clinical testing. Allele origin: unknown. Not counted in ClinVar's aggregate classification.

Literature cited by the submitters: PubMed 17200668 (cited by Labcorp Genetics (formerly Invitae), Labcorp); PubMed 17200671 (cited by Labcorp Genetics (formerly Invitae), Labcorp); PubMed 17200672 (cited by Labcorp Genetics (formerly Invitae), Labcorp); PubMed 24136930 (cited by Labcorp Genetics (formerly Invitae), Labcorp); PubMed 25099575 (cited by Labcorp Genetics (formerly Invitae), Labcorp); PubMed 26681312 (cited by 5 submitters); PubMed 26757417 (cited by 6 submitters); PubMed 28825143 (cited by 4 submitters); PubMed 29566657 (cited by Ambry Genetics and Quest Diagnostics Nichols Institute San Juan Capistrano); PubMed 30720863 (cited by Ambry Genetics and Quest Diagnostics Nichols Institute San Juan Capistrano); PubMed 31360874 (cited by Ambry Genetics and Quest Diagnostics Nichols Institute San Juan Capistrano); PubMed 32068069 (cited by Ambry Genetics and Quest Diagnostics Nichols Institute San Juan Capistrano); PubMed 32339256 (cited by Ambry Genetics and Quest Diagnostics Nichols Institute San Juan Capistrano); PubMed 33193564 (cited by Ambry Genetics).

NM_024675.4(PALB2):c.1059del (p.Lys353fs)

Gene: PALB2 (partner and localizer of BRCA2; minus strand). Cytogenetic location: 16p12.2.
Variant type: Deletion.
Coding change: c.1059del on transcript NM_024675.4 (MANE Select); coding-DNA position 1059, one base deleted (A; older notation c.1059delA).
Protein change: p.Lys353fs; shifts the reading frame from lysine 353.
Molecular consequence: frameshift variant.
Genome position (GRCh38, 1-based): chr16:23,635,487, T deleted on the plus strand (A on the coding strand, the reverse complement: PALB2 is on the minus strand); the first of 3 consecutive T bases (chr16:23,635,487-23,635,489); deleting any one gives the same sequence. VCF-style (leftmost placement, unchanged base first): chr16-23635486-AT-A. GRCh37 (hg19) VCF-style: chr16-23646807-AT-A.
Other names: c.1059delA (NM_024675.3); short protein forms K353fs.
Identifiers: ClinVar variation 182745 (VCV000182745.31), dbSNP rs730881872, ClinGen allele CA299667.